The following is an entry in ClinVar:

ClinVar aggregate classification (germline): Uncertain significance. Review status: criteria provided, multiple submitters, no conflicts (2 of 4 stars). 2 submissions from 2 submitters: Uncertain significance (2). Last evaluated 2025-08-12.

Conditions:
Inborn genetic diseases. Identifiers: MedGen C0950123, MeSH D030342.
Congenital myopathy with internal nuclei and atypical cores. Also called: Myopathy, centronuclear, 4. Identifiers: Orphanet 319160, MedGen C4707232, MONDO:0013890, OMIM 614807.

Allele frequency attached by ClinVar (database versions not stated): ExAC 0.00001; gnomAD exomes 0.00001.

Submissions (2):

Ambry Genetics
Classification: Uncertain significance for Inborn genetic diseases. Last evaluated: 2025-08-12. Review status: criteria provided, single submitter. Criteria: Ambry Variant Classification Scheme 2023. Collection method: clinical testing. Allele origin: germline.

Labcorp Genetics (formerly Invitae), Labcorp
Classification: Uncertain significance for Congenital myopathy with internal nuclei and atypical cores. Last evaluated: 2022-06-14. Review status: criteria provided, single submitter. Criteria: Invitae Variant Classification Sherloc (09022015). Collection method: clinical testing. Allele origin: germline.
Comment: In summary, the available evidence is currently insufficient to determine the role of this variant in disease. Therefore, it has been classified as a Variant of Uncertain Significance. Algorithms developed to predict the effect of missense changes on protein structure and function output the following: SIFT: "Tolerated"; PolyPhen-2: "Benign"; Align-GVGD: "Class C0". The glutamine amino acid residue is found in multiple mammalian species, which suggests that this missense change does not adversely affect protein function. This variant has not been reported in the literature in individuals affected with CCDC78-related conditions. This variant is present in population databases (rs750273057, gnomAD 0.009%). This sequence change replaces histidine, which is basic and polar, with glutamine, which is neutral and polar, at codon 310 of the CCDC78 protein (p.His310Gln).

NM_001378030.1(CCDC78):c.930T>G (p.His310Gln)

Gene: CCDC78 (coiled-coil domain containing 78; minus strand). Cytogenetic location: 16p13.3.
Variant type: single nucleotide variant.
Coding change: c.930T>G on transcript NM_001378030.1 (MANE Select); coding-DNA position 930, T replaced by G.
Protein change: p.His310Gln; replaces histidine 310 with glutamine.
Molecular consequence: missense variant. On other transcripts: non-coding transcript variant (5).
Genome position (GRCh38, 1-based): chr16:724,345, A>C on the plus strand (T>G on the coding strand, the complement: CCDC78 is on the minus strand). VCF-style: chr16-724345-A-C. GRCh37 (hg19) VCF-style: chr16-774345-A-C.
Other names: c.930T>G, p.His310Gln (NM_001031737.3, NM_001378031.1); c.363T>G, p.His121Gln (NM_001378033.1); c.930T>G (NM_001031737.2); short protein forms H310Q, H121Q.
Identifiers: ClinVar variation 1477682 (VCV001477682.9), dbSNP rs750273057, ClinGen allele CA7789348.